The following is an entry in ClinVar:

NM_000059.4(BRCA2):c.8959_8962del (p.Leu2987fs)

Gene: BRCA2 (BRCA2 DNA repair associated; plus strand). Cytogenetic location: 13q13.1.
Variant type: Deletion.
Coding change: c.8959_8962del on transcript NM_000059.4 (MANE Select); coding-DNA positions 8959 to 8962, 4 bases deleted (CTGA; older notation c.8959_8962delCTGA).
Protein change: p.Leu2987fs; shifts the reading frame from leucine 2987.
Molecular consequence: frameshift variant.
Genome position (GRCh38, 1-based): chr13:32,379,755-32,379,758, CTGA deleted; deleting any 4 consecutive bases within chr13:32,379,754-32,379,758 gives the same sequence; the c. name uses the placement nearest the transcript's 3' end. VCF-style (leftmost placement, unchanged base first): chr13-32379753-TACTG-T. GRCh37 (hg19) VCF-style: chr13-32953890-TACTG-T.
Other names: 9186delACTG; short protein forms L2987fs.
Identifiers: ClinVar variation 267124 (VCV000267124.5), dbSNP rs886040806, ClinGen allele CA10589533.

ClinVar aggregate classification (germline): Pathogenic. Review status: reviewed by expert panel (3 of 4 stars). 2 submissions from 2 submitters: Pathogenic (1). 1 of the submissions does not count toward it. Last evaluated 2016-10-18.

Conditions:
Breast-ovarian cancer, familial, susceptibility to, 2 (BROVCA2). Also called: BRCA2 Hereditary Breast and Ovarian Cancer. Identifiers: Orphanet 145, MedGen C2675520, MONDO:0012933, OMIM 612555. Disease mechanism: loss of function.

Submissions (2):

Evidence-based Network for the Interpretation of Germline Mutant Alleles (ENIGMA)
Classification: Pathogenic for Breast-ovarian cancer, familial, susceptibility to, 2. Last evaluated: 2016-10-18. Review status: reviewed by expert panel. Criteria: ENIGMA BRCA1/2 Classification Criteria (2015). Collection method: curation. Allele origin: germline.
Comment: Variant allele predicted to encode a truncated non-functional protein.

Consortium of Investigators of Modifiers of BRCA1/2 (CIMBA), c/o University of Cambridge
Classification: Pathogenic for Breast-ovarian cancer, familial, susceptibility to, 2. Last evaluated: 2015-10-02. Review status: criteria provided, single submitter. Criteria: CIMBA Mutation Classification guidelines May 2016. Collection method: clinical testing. Allele origin: germline. Not counted in ClinVar's aggregate classification.